The following is an entry in ClinVar:

ClinVar aggregate classification (germline): Pathogenic (1 of 4 stars; one submission).

Conditions:
Lynch syndrome 5 (LYNCH5). Also called: Colorectal cancer, hereditary nonpolyposis, type 5; Hereditary non-polyposis colorectal cancer, type 5. Identifiers: Orphanet 144, MedGen C1833477, MONDO:0013710, OMIM 614350. Disease mechanism: loss of function.

Submission:

Myriad Genetics, Inc.
Classification: Pathogenic for Lynch syndrome 5. Last evaluated: 2023-08-25. Review status: criteria provided, single submitter. Criteria: Myriad Autosomal Dominant, Autosomal Recessive and X-Linked Classification Criteria (2023). Collection method: clinical testing. Allele origin: unknown.
Comment: This variant is considered pathogenic. This variant creates a frameshift predicted to result in premature protein truncation.

NM_000179.3(MSH6):c.3732_3736dup (p.Ser1246fs)

Gene: MSH6 (mutS homolog 6; plus strand). Cytogenetic location: 2p16.3.
Variant type: Duplication.
Coding change: c.3732_3736dup on transcript NM_000179.3 (MANE Select); coding-DNA positions 3732 to 3736, 5 bases duplicated (ATTTT; older notation c.3732_3736dupATTTT).
Protein change: p.Ser1246fs; shifts the reading frame from serine 1246.
Molecular consequence: frameshift variant. On other transcripts: non-coding transcript variant (5).
Genome position (GRCh38, 1-based): chr2:47,806,289-47,806,293, ATTTT duplicated; duplicating any 5 consecutive bases within chr2:47,806,287-47,806,293 gives the same sequence; the c. name uses the placement nearest the transcript's 3' end. VCF-style (leftmost placement, unchanged base first): chr2-47806286-A-ATTATT. GRCh37 (hg19) VCF-style: chr2-48033425-A-ATTATT.
Other names: c.3342_3346dup, p.Ser1116fs (NM_001281492.2); c.2826_2830dup, p.Ser944fs (NM_001281493.2, NM_001281494.2, NM_001406811.1 and 6 more transcripts); c.3828_3832dup, p.Ser1278fs (NM_001406795.1, NM_001406802.1); c.3732_3736dup, p.Ser1246fs (NM_001406796.1, NM_001406800.1, NM_001406808.1 and 1 more transcripts); c.3435_3439dup, p.Ser1147fs (NM_001406797.1, NM_001406801.1, NM_001406805.1 and 10 more transcripts); c.3558_3562dup, p.Ser1188fs (NM_001406798.1); c.3207_3211dup, p.Ser1071fs (NM_001406799.1, NM_001406806.1, NM_001406807.1); c.2868_2872dup, p.Ser958fs (NM_001406803.1); and 7 more; short protein forms S1071fs, S1116fs, S1147fs, S1188fs, S1190fs, S1220fs, S1246fs, S1248fs.
Identifiers: ClinVar variation 2673641 (VCV002673641.1), dbSNP rs2530843916, ClinGen allele CA2695200611.